The following is an entry in ClinVar:

ClinVar aggregate classification (germline): Uncertain significance (1 of 4 stars; one submission).

Submission:

Labcorp Genetics (formerly Invitae), Labcorp
Classification: Uncertain significance. Last evaluated: 2023-06-25. Review status: criteria provided, single submitter. Criteria: Invitae Variant Classification Sherloc (09022015). Collection method: clinical testing. Allele origin: germline.
Comment: This variant is not present in population databases (gnomAD no frequency). In summary, the available evidence is currently insufficient to determine the role of this variant in disease. Therefore, it has been classified as a Variant of Uncertain Significance. Algorithms developed to predict the effect of missense changes on protein structure and function output the following: SIFT: "Not Available"; PolyPhen-2: "Possibly Damaging"; Align-GVGD: "Not Available". The valine amino acid residue is found in multiple mammalian species, which suggests that this missense change does not adversely affect protein function. This variant has not been reported in the literature in individuals affected with PODXL-related conditions. This sequence change replaces glycine, which is neutral and non-polar, with valine, which is neutral and non-polar, at codon 114 of the PODXL protein (p.Gly114Val).

NM_001018111.3(PODXL):c.341G>T (p.Gly114Val)

Gene: PODXL (podocalyxin like; minus strand). Cytogenetic location: 7q32.3.
Variant type: single nucleotide variant.
Coding change: c.341G>T on transcript NM_001018111.3 (MANE Select); coding-DNA position 341, G replaced by T.
Protein change: p.Gly114Val; replaces glycine 114 with valine.
Molecular consequence: missense variant.
Genome position (GRCh38, 1-based): chr7:131,511,193, C>A on the plus strand (G>T on the coding strand, the complement: PODXL is on the minus strand). VCF-style: chr7-131511193-C-A. GRCh37 (hg19) VCF-style: chr7-131195952-C-A.
Other names: c.341G>T, p.Gly114Val (NM_005397.4); short protein forms G114V.
Identifiers: ClinVar variation 2875039 (VCV002875039.3), dbSNP rs2485279779, ClinGen allele CA369301644.
Genomic context (GRCh38, chr7:131,511,193, plus strand): 5'-ACTGTAGTGGTGTCTGCACTTTTTGTGCTCTTGGGGCTCTCGATGGTGGTAGTAGGGTTG[C>A]CTGAGCCGCCTCCTCTAGCCACGGTAGTGTTGACTGGGCCTGAGACTTGCTGAGCCAGGG-3'
Protein context (NP_001018121.1, residues 104-124): NTTVARGGGS[Gly114Val]NPTTTIESPK